The following is an entry in ClinVar:

NM_004434.3(EML1):c.518+9G>A

Gene: EML1 (EMAP like 1; plus strand). Cytogenetic location: 14q32.2.
Variant type: single nucleotide variant.
Coding change: c.518+9G>A on transcript NM_004434.3 (MANE Select); 9 bases into the intron after coding-DNA position 518, G replaced by A.
Molecular consequence: intron variant.
Genome position (GRCh38, 1-based): chr14:99,878,628, G>A. VCF-style: chr14-99878628-G-A. GRCh37 (hg19) VCF-style: chr14-100344965-G-A.
Other names: c.479+9G>A (NM_001375411.1); c.575+9G>A (NM_001008707.2); c.518+9G>A (NM_001375412.1).
Identifiers: ClinVar variation 777437 (VCV000777437.12), dbSNP rs11846839, ClinGen allele CA7342328.

ClinVar aggregate classification (germline): Benign. Review status: criteria provided, multiple submitters, no conflicts (2 of 4 stars). 3 submissions from 3 submitters: Benign (2). 1 of the submissions does not count toward it. Last evaluated 2026-01-15.

Conditions:
EML1-related disorder. Also called: EML1-related condition.

Allele frequency attached by ClinVar (database versions not stated): gnomAD exomes 0.00103 and 0.00274; ExAC 0.00342; 1000 Genomes Project 0.01098; gnomAD 0.01100 and 0.01175; ESP Exome Variant Server 0.01169; 1000 Genomes Project 30x 0.01234; TOPMed 0.01238.
gnomAD v4.1: 3,257 of 1,611,242 alleles (0.2%); highest among the groups gnomAD compares: African/African-American, 3.9%; 63 homozygotes.

Submissions (3):

Labcorp Genetics (formerly Invitae), Labcorp
Classification: Benign. Last evaluated: 2026-01-15. Review status: criteria provided, single submitter. Criteria: Invitae Variant Classification Sherloc (09022015). Collection method: clinical testing. Allele origin: germline.

Breakthrough Genomics
Classification: Benign. Review status: criteria provided, single submitter. Criteria: ACMG Guidelines, 2015. Collection method: not provided. Allele origin: germline. Inheritance: Autosomal recessive inheritance. Affected: yes.

PreventionGenetics, part of Exact Sciences
Classification: Benign for EML1-related condition. Last evaluated: 2024-08-26. Review status: no assertion criteria provided. Collection method: clinical testing. Allele origin: germline. Not counted in ClinVar's aggregate classification.
Comment: This variant is classified as benign based on ACMG/AMP sequence variant interpretation guidelines (Richards et al. 2015 PMID: 25741868, with internal and published modifications).